The following is an entry in ClinVar:

ClinVar aggregate classification (germline): Uncertain significance (1 of 4 stars; one submission).

Conditions:
Ehlers-Danlos syndrome, kyphoscoliotic type 1 (EDSKSCL1). Also called: EHLERS-DANLOS SYNDROME, OCULAR-SCOLIOTIC TYPE; EHLERS-DANLOS SYNDROME, TYPE VIA; PLOD1-Related Kyphoscoliotic Ehlers-Danlos Syndrome; Ehlers-Danlos syndrome, hydroxylysine-deficient. Identifiers: Orphanet 1900, MedGen C0268342, MONDO:0016002, OMIM 225400. Disease mechanism: loss of function.

gnomAD v4.1: 3 of 1,539,228 alleles (0.00019%); highest among the groups gnomAD compares: Non-Finnish European, 0.00026%; no homozygotes.

Submission:

Labcorp Genetics (formerly Invitae), Labcorp
Classification: Uncertain significance for Ehlers-Danlos syndrome, kyphoscoliotic type 1. Last evaluated: 2019-12-18. Review status: criteria provided, single submitter. Criteria: Invitae Variant Classification Sherloc (09022015). Collection method: clinical testing. Allele origin: germline.
Comment: In summary, the available evidence is currently insufficient to determine the role of this variant in disease. Therefore, it has been classified as a Variant of Uncertain Significance. Algorithms developed to predict the effect of missense changes on protein structure and function are either unavailable or do not agree on the potential impact of this missense change (SIFT: "Deleterious"; PolyPhen-2: "Benign"; Align-GVGD: "Class C0"). This variant has not been reported in the literature in individuals with PLOD1-related conditions. The frequency data for this variant in the population databases is considered unreliable, as metrics indicate insufficient coverage at this position in the ExAC database. This sequence change replaces aspartic acid with glutamic acid at codon 21 of the PLOD1 protein (p.Asp21Glu). The aspartic acid residue is moderately conserved and there is a small physicochemical difference between aspartic acid and glutamic acid.

NM_000302.4(PLOD1):c.63C>G (p.Asp21Glu)

Gene: PLOD1 (procollagen-lysine,2-oxoglutarate 5-dioxygenase 1; plus strand). Cytogenetic location: 1p36.22.
Variant type: single nucleotide variant.
Coding change: c.63C>G on transcript NM_000302.4 (MANE Select); coding-DNA position 63, C replaced by G.
Protein change: p.Asp21Glu; replaces aspartic acid 21 with glutamic acid.
Molecular consequence: missense variant.
Genome position (GRCh38, 1-based): chr1:11,934,842, C>G. VCF-style: chr1-11934842-C-G. GRCh37 (hg19) VCF-style: chr1-11994899-C-G.
Other names: c.63C>G, p.Asp21Glu (NM_001316320.2); short protein forms D21E.
Identifiers: ClinVar variation 849224 (VCV000849224.12), dbSNP rs1645566854, ClinGen allele CA338422848.